The following is an entry in ClinVar:

ClinVar aggregate classification (germline): Uncertain significance (1 of 4 stars; one submission).

Conditions:
Autosomal dominant polycystic kidney disease. Identifiers: Orphanet 730, MedGen C0085413, MONDO:0004691.

Submission:

Labcorp Genetics (formerly Invitae), Labcorp
Classification: Uncertain significance for Autosomal dominant polycystic kidney disease. Last evaluated: 2023-10-17. Review status: criteria provided, single submitter. Criteria: Invitae Variant Classification Sherloc (09022015). Collection method: clinical testing. Allele origin: germline.
Comment: This sequence change replaces leucine, which is neutral and non-polar, with proline, which is neutral and non-polar, at codon 729 of the PKD2 protein (p.Leu729Pro). This variant is not present in population databases (gnomAD no frequency). This variant has not been reported in the literature in individuals affected with PKD2-related conditions. Advanced modeling of protein sequence and biophysical properties (such as structural, functional, and spatial information, amino acid conservation, physicochemical variation, residue mobility, and thermodynamic stability) performed at Invitae indicates that this missense variant is expected to disrupt PKD2 protein function. In summary, the available evidence is currently insufficient to determine the role of this variant in disease. Therefore, it has been classified as a Variant of Uncertain Significance.

NM_000297.4(PKD2):c.2186T>C (p.Leu729Pro)

Gene: PKD2 (polycystin 2, transient receptor potential cation channel; plus strand). Cytogenetic location: 4q22.1.
Variant type: single nucleotide variant.
Coding change: c.2186T>C on transcript NM_000297.4 (MANE Select); coding-DNA position 2186, T replaced by C.
Protein change: p.Leu729Pro; replaces leucine 729 with proline.
Molecular consequence: missense variant. On other transcripts: non-coding transcript variant (1).
Genome position (GRCh38, 1-based): chr4:88,065,441, T>C. VCF-style: chr4-88065441-T-C. GRCh37 (hg19) VCF-style: chr4-88986593-T-C.
Other names: short protein forms L729P.
Identifiers: ClinVar variation 2713670 (VCV002713670.3), dbSNP rs569788968, ClinGen allele CA357624644.